The following is an entry in ClinVar:

NM_213595.4(ISCU):c.144C>T (p.Asn48=)

Gene: ISCU (iron-sulfur cluster assembly enzyme; plus strand). Cytogenetic location: 12q23.3.
Variant type: single nucleotide variant.
Coding change: c.144C>T on transcript NM_213595.4 (MANE Select); coding-DNA position 144, C replaced by T.
Protein change: p.Asn48=; no amino-acid change (asparagine 48 retained).
Molecular consequence: synonymous variant. On other transcripts: non-coding transcript variant (1).
Genome position (GRCh38, 1-based): chr12:108,564,308, C>T. VCF-style: chr12-108564308-C-T. GRCh37 (hg19) VCF-style: chr12-108958084-C-T.
Other names: c.144C>T, p.Asn48= (NM_001301140.1, NM_001301141.1, NM_001320042.1); c.69C>T, p.Asn23= (NM_014301.4).
Identifiers: ClinVar variation 380136 (VCV000380136.5), dbSNP rs368028981, ClinGen allele CA6768777.

ClinVar aggregate classification (germline): Likely benign. Review status: criteria provided, multiple submitters, no conflicts (2 of 4 stars). 2 submissions from 2 submitters: Likely benign (2). Last evaluated 2026-01-16.

Allele frequency attached by ClinVar (database versions not stated): ESP Exome Variant Server 0.00008; ExAC 0.00002; gnomAD 0.00002; gnomAD exomes 0.00002 and 0.00006; TOPMed 0.00003.
gnomAD v4.1: 91 of 1,613,886 alleles (0.0056%); highest among the groups gnomAD compares: Non-Finnish European, 0.0073%; no homozygotes.

Submissions (2):

Labcorp Genetics (formerly Invitae), Labcorp
Classification: Likely benign. Last evaluated: 2026-01-16. Review status: criteria provided, single submitter. Criteria: Invitae Variant Classification Sherloc (09022015). Collection method: clinical testing. Allele origin: germline.

GeneDx
Classification: Likely benign. Last evaluated: 2016-10-14. Review status: criteria provided, single submitter. Criteria: GeneDx Variant Classification (06012015). Collection method: clinical testing. Allele origin: germline. Affected: yes.
Comment: This variant is considered likely benign or benign based on one or more of the following criteria: it is a conservative change, it occurs at a poorly conserved position in the protein, it is predicted to be benign by multiple in silico algorithms, and/or has population frequency not consistent with disease.